The following is an entry in ClinVar:

ClinVar aggregate classification (germline): Uncertain significance (1 of 4 stars; one submission).

Allele frequency attached by ClinVar (database versions not stated): gnomAD exomes below 0.00001.
gnomAD v4.1: 3 of 1,602,368 alleles (0.00019%); highest among the groups gnomAD compares: Non-Finnish European, 0.00026%; no homozygotes.

Submission:

CeGaT Center for Human Genetics Tuebingen
Classification: Uncertain significance. Last evaluated: 2022-05-01. Review status: criteria provided, single submitter. Criteria: CeGaT Center For Human Genetics Tuebingen Variant Classification Criteria Version 2. Collection method: clinical testing. Allele origin: germline. Affected: yes. Observed: 1 variant allele.
Comment: SETX: PM2, BP4

NM_015046.7(SETX):c.6844C>G (p.Gln2282Glu)

Gene: SETX (senataxin; minus strand). Cytogenetic location: 9q34.13.
Variant type: single nucleotide variant.
Coding change: c.6844C>G on transcript NM_015046.7 (MANE Select); coding-DNA position 6844, C replaced by G.
Protein change: p.Gln2282Glu; replaces glutamine 2282 with glutamic acid.
Molecular consequence: missense variant.
Genome position (GRCh38, 1-based): chr9:132,277,151, G>C on the plus strand (C>G on the coding strand, the complement: SETX is on the minus strand). VCF-style: chr9-132277151-G-C. GRCh37 (hg19) VCF-style: chr9-135152538-G-C.
Other names: c.6844C>G, p.Gln2282Glu (NM_001351527.2, NM_001351528.2); short protein forms Q2282E.
Identifiers: ClinVar variation 2659648 (VCV002659648.24), dbSNP rs1372636285, ClinGen allele CA375330630.
Genomic context (GRCh38, chr9:132,277,151, plus strand): 5'-CATCAAACACAAGGTATGGCTGAAATGGCCAATCTGATGAACATCGAATGGCTTCTGTCT[G>C]TCTGTAAAAAAAAAAAAGCAGTCAACATTCAGAATAAAGTCAAGATTTAAGAAAATATCT-3'
Protein context (NP_055861.3, residues 2272-2292): VYNRNLKTNR[Gln2282Glu]TEAIRCSSDW